The following is an entry in ClinVar:

ClinVar aggregate classification (germline): Uncertain significance (1 of 4 stars; one submission).

Conditions:
Symmetrical dyschromatosis of extremities (DSH). Also called: RETICULATE ACROPIGMENTATION OF DOHI; SYMMETRIC DYSCHROMATOSIS OF THE EXTREMITIES; Dyschromatosis symmetrica hereditaria; DYSCHROMATOSIS SYMMETRICA HEREDITARIA 1. Identifiers: Orphanet 41, MedGen C0406775, MONDO:0007483, OMIM 127400.
Aicardi-Goutieres syndrome 6 (AGS6). Identifiers: Orphanet 51, MedGen C3539013, MONDO:0014007, OMIM 615010.

Allele frequency attached by ClinVar (database versions not stated): TOPMed below 0.00001.

Submission:

Labcorp Genetics (formerly Invitae), Labcorp
Classification: Uncertain significance for Aicardi-Goutieres syndrome 6; Symmetrical dyschromatosis of extremities. Last evaluated: 2025-11-15. Review status: criteria provided, single submitter. Criteria: Invitae Variant Classification Sherloc (09022015). Collection method: clinical testing. Allele origin: germline.
Comment: This sequence change replaces isoleucine, which is neutral and non-polar, with valine, which is neutral and non-polar, at codon 394 of the ADAR protein (p.Ile394Val). This variant is not present in population databases (gnomAD no frequency). This variant has not been reported in the literature in individuals affected with ADAR-related conditions. ClinVar contains an entry for this variant (Variation ID: 2187049). Invitae Evidence Modeling of protein sequence and biophysical properties (such as structural, functional, and spatial information, amino acid conservation, physicochemical variation, residue mobility, and thermodynamic stability) indicates that this missense variant is not expected to disrupt ADAR protein function with a negative predictive value of 80%. In summary, the available evidence is currently insufficient to determine the role of this variant in disease. Therefore, it has been classified as a Variant of Uncertain Significance.

NM_001111.5(ADAR):c.1180A>G (p.Ile394Val)

Gene: ADAR (adenosine deaminase RNA specific; minus strand). Cytogenetic location: 1q21.3.
Variant type: single nucleotide variant.
Coding change: c.1180A>G on transcript NM_001111.5 (MANE Select); coding-DNA position 1180, A replaced by G.
Protein change: p.Ile394Val; replaces isoleucine 394 with valine.
Molecular consequence: missense variant.
Genome position (GRCh38, 1-based): chr1:154,601,462, T>C on the plus strand (A>G on the coding strand, the complement: ADAR is on the minus strand). VCF-style: chr1-154601462-T-C. GRCh37 (hg19) VCF-style: chr1-154573938-T-C.
Other names: c.295A>G, p.Ile99Val (NM_001193495.2, NM_001365046.1, NM_001365047.1 and 3 more transcripts); c.1207A>G, p.Ile403Val (NM_001365045.1); c.1180A>G, p.Ile394Val (NM_015840.4, NM_015841.4); short protein forms I99V, I403V, I394V.
Identifiers: ClinVar variation 2187049 (VCV002187049.4), dbSNP rs1697865291, ClinGen allele CA342597302.
Genomic context (GRCh38, chr1:154,601,462, plus strand): 5'-CCTGCCCATTCTCCACTTTTTCTGTGGTTACCATGTTATTTGAGGCATTTGATGTGGGTA[T>C]ATTACAGGTGAGGAACTCTGCGTTTCTTTTGGTCTCAGGGATTGCAGCTGGAGCGGTTTC-3'
Protein context (NP_001102.3, residues 384-404): KRNAEFLTCN[Ile394Val]PTSNASNNMV